The following is an entry in ClinVar:

NM_004360.5(CDH1):c.1015C>G (p.Pro339Ala)

Gene: CDH1 (cadherin 1; plus strand). Cytogenetic location: 16q22.1.
Variant type: single nucleotide variant.
Coding change: c.1015C>G on transcript NM_004360.5 (MANE Select); coding-DNA position 1015, C replaced by G.
Protein change: p.Pro339Ala; replaces proline 339 with alanine.
Molecular consequence: missense variant. On other transcripts: 5 prime UTR variant (2).
Genome position (GRCh38, 1-based): chr16:68,812,141, C>G. VCF-style: chr16-68812141-C-G. GRCh37 (hg19) VCF-style: chr16-68846044-C-G.
Other names: c.1015C>G (LRG_301t1); c.1015C>G, p.Pro339Ala (NM_001317184.2); c.-601C>G (NM_001317185.2); c.-805C>G (NM_001317186.2); short protein forms P339A.
Identifiers: ClinVar variation 485478 (VCV000485478.25), dbSNP rs1555515709, ClinGen allele CA396459932.
Genomic context (GRCh38, chr16:68,812,141, plus strand): 5'-CCAAAGGTGGCTAGTGTTCCTGGTCCTGACTTGGTTGTGTCGATCTCTCTGCAGAGTTTC[C>G]CTACGTATACCCTGGTGGTTCAAGCTGCTGACCTTCAAGGTGAGGGGTTAAGCACAACAG-3'
Protein context (NP_004351.1, residues 329-349): VTTGLDRESF[Pro339Ala]TYTLVVQAAD

ClinVar aggregate classification (germline): Uncertain significance. Review status: criteria provided, multiple submitters, no conflicts (2 of 4 stars). 6 submissions from 6 submitters: Uncertain significance (6). Last evaluated 2025-07-18.

Conditions:
Ovarian neoplasm. Also called: Ovarian tumor; Ovarian Neoplasms; Neoplasm of ovary. Identifiers: MedGen C0919267, MeSH D010051, MONDO:0021068, HP:0100615.
Prostate cancer. Also called: Malignant tumor of prostate. Identifiers: Orphanet 1331, MedGen C0376358, MONDO:0008315, HP:0012125.
Familial cancer of breast. Also called: BREAST CANCER, FAMILIAL; Hereditary breast cancer; hereditary breast carcinoma. Identifiers: Orphanet 227535, MedGen C0346153, MONDO:0016419, OMIM 114480. Disease mechanism: loss of function.
Blepharocheilodontic syndrome 1 (BCDS1). Identifiers: Orphanet 1997, MedGen C4551988, MONDO:0054740, OMIM 119580.
Endometrial carcinoma. Also called: Endometrial carcinoma, somatic. Identifiers: MedGen C0476089, MONDO:0002447, OMIM 608089, HP:0012114.
Hereditary diffuse gastric adenocarcinoma (HDGC). Also called: DIFFUSE GASTRIC AND LOBULAR BREAST CANCER SYNDROME. Identifiers: Orphanet 26106, MedGen C1708349, MONDO:0007648, OMIM 137215.
Hereditary cancer-predisposing syndrome. Also called: Hereditary Cancer Syndrome; Hereditary neoplastic syndrome; Neoplastic Syndromes, Hereditary; Tumor predisposition. Identifiers: Orphanet 140162, MedGen C0027672, MeSH D009386, MONDO:0015356.

gnomAD v4.1: 6 of 1,614,028 alleles (0.00037%); highest among the groups gnomAD compares: Non-Finnish European, 0.00034%; no homozygotes.

Submissions (6):

Labcorp Genetics (formerly Invitae), Labcorp
Classification: Uncertain significance for Hereditary diffuse gastric adenocarcinoma. Last evaluated: 2025-07-18. Review status: criteria provided, single submitter. Criteria: Invitae Variant Classification Sherloc (09022015). Collection method: clinical testing. Allele origin: germline.
Comment: This sequence change replaces proline, which is neutral and non-polar, with alanine, which is neutral and non-polar, at codon 339 of the CDH1 protein (p.Pro339Ala). This variant is not present in population databases (gnomAD no frequency). This variant has not been reported in the literature in individuals affected with CDH1-related conditions. ClinVar contains an entry for this variant (Variation ID: 485478). An algorithm developed to predict the effect of missense changes on protein structure and function (PolyPhen-2) suggests that this variant is likely to be tolerated. In summary, the available evidence is currently insufficient to determine the role of this variant in disease. Therefore, it has been classified as a Variant of Uncertain Significance.

Quest Diagnostics Nichols Institute San Juan Capistrano
Classification: Uncertain significance. Last evaluated: 2024-12-07. Review status: criteria provided, single submitter. Criteria: Quest Diagnostics criteria. Collection method: clinical testing. Allele origin: unknown.
Comment: The CDH1 c.1015C>G (p.Pro339Ala) variant has not been reported in individuals with CDH1-related conditions in the published literature. It also has not been reported in large, multi-ethnic general populations (Genome Aggregation Database). Analysis of this variant using bioinformatics tools for the prediction of the effect of amino acid changes on protein structure and function yielded conflicting predictions that this variant is deleterious or benign. Based on the available information, we are unable to determine the clinical significance of this variant.

Ambry Genetics
Classification: Uncertain significance for Hereditary cancer-predisposing syndrome. Last evaluated: 2023-12-27. Review status: criteria provided, single submitter. Criteria: Ambry Variant Classification Scheme 2023. Collection method: clinical testing. Allele origin: germline.
Comment: The p.P339A variant (also known as c.1015C>G), located in coding exon 8 of the CDH1 gene, results from a C to G substitution at nucleotide position 1015. The proline at codon 339 is replaced by alanine, an amino acid with highly similar properties. This amino acid position is highly conserved in available vertebrate species. In addition, this alteration is predicted to be tolerated by in silico analysis. Since supporting evidence is limited at this time, the clinical significance of this alteration remains unclear.

Color Diagnostics, LLC DBA Color Health
Classification: Uncertain significance for Hereditary cancer-predisposing syndrome. Last evaluated: 2023-12-05. Review status: criteria provided, single submitter. Criteria: ACMG Guidelines, 2015. Collection method: clinical testing. Allele origin: germline.
Comment: This missense variant replaces proline with alanine at codon 339 of the CDH1 protein. To our knowledge, functional studies have not been reported for this variant. This variant has not been reported in individuals affected with hereditary cancer in the literature. This variant has not been identified in the general population by the Genome Aggregation Database (gnomAD). The available evidence is insufficient to determine the role of this variant in disease conclusively. Therefore, this variant is classified as a Variant of Uncertain Significance.

Baylor Genetics
Classification: Uncertain significance for Familial cancer of breast. Last evaluated: 2023-11-18. Review status: criteria provided, single submitter. Criteria: ACMG Guidelines, 2015. Collection method: clinical testing. Allele origin: unknown.

GeneDx
Classification: Uncertain significance. Last evaluated: 2022-01-19. Review status: criteria provided, single submitter. Criteria: GeneDx Variant Classification Process June 2021. Collection method: clinical testing. Allele origin: germline. Affected: yes.
Comment: Not observed at significant frequency in large population cohorts (gnomAD); In silico analysis supports that this missense variant has a deleterious effect on protein structure/function; Has not been previously published as pathogenic or benign to our knowledge; This variant is associated with the following publications: (PMID: 15235021, 22850631)